The following is an entry in ClinVar:

NM_001943.5(DSG2):c.45+1G>T

Genes: DSG2 (desmoglein 2; plus strand), LOC130062340 (ATAC-STARR-seq lymphoblastoid silent region 9384; plus strand). Cytogenetic location: 18q12.1.
Variant type: single nucleotide variant.
Coding change: c.45+1G>T on transcript NM_001943.5 (MANE Select); the canonical splice donor site of the intron after coding-DNA position 45, G replaced by T.
Molecular consequence: splice donor variant.
Genome position (GRCh38, 1-based): chr18:31,498,297, G>T. VCF-style: chr18-31498297-G-T. GRCh37 (hg19) VCF-style: chr18-29078260-G-T.
Identifiers: ClinVar variation 925437 (VCV000925437.8), dbSNP rs1568098570, ClinGen allele CA402127669.

ClinVar aggregate classification (germline): Conflicting classifications of pathogenicity. Review status: criteria provided, conflicting classifications (1 of 4 stars). 2 submissions from 2 submitters: Likely pathogenic (1); Uncertain significance (1). Last evaluated 2022-05-02.

Conditions:
Arrhythmogenic right ventricular dysplasia 10. Also called: ARRHYTHMOGENIC RIGHT VENTRICULAR DYSPLASIA, FAMILIAL, 10; Arrhythmogenic right ventricular dysplasia/cardiomyopathy, type 10; Arrhythmogenic Right Ventricular Dysplasia/Cardiomyopathy10. Identifiers: MedGen C1857777, MONDO:0012434, OMIM 610193.
Cardiomyopathy (CMYO). Also called: Cardiomyopathies. Identifiers: Orphanet 167848, MedGen C0878544, MONDO:0004994, HP:0001638. Inheritance: Various modes of inheritance.

Submissions (2):

Labcorp Genetics (formerly Invitae), Labcorp
Classification: Likely pathogenic for Arrhythmogenic right ventricular dysplasia 10. Last evaluated: 2022-05-02. Review status: criteria provided, single submitter. Criteria: Invitae Variant Classification Sherloc (09022015). Collection method: clinical testing. Allele origin: germline.
Comment: In summary, the currently available evidence indicates that the variant is pathogenic, but additional data are needed to prove that conclusively. Therefore, this variant has been classified as Likely Pathogenic. Algorithms developed to predict the effect of sequence changes on RNA splicing suggest that this variant may disrupt the consensus splice site. ClinVar contains an entry for this variant (Variation ID: 925437). This variant has not been reported in the literature in individuals affected with DSG2-related conditions. This variant is not present in population databases (gnomAD no frequency). This sequence change affects a donor splice site in intron 1 of the DSG2 gene. It is expected to disrupt RNA splicing. Variants that disrupt the donor or acceptor splice site typically lead to a loss of protein function (PMID: 16199547), and loss-of-function variants in DSG2 are known to be pathogenic (PMID: 17105751, 31386562).

Color Diagnostics, LLC DBA Color Health
Classification: Uncertain significance for Cardiomyopathy. Last evaluated: 2018-12-05. Review status: criteria provided, single submitter. Criteria: ACMG Guidelines, 2015. Collection method: clinical testing. Allele origin: germline.
Comment: Variant of Uncertain Significance: This variant alters the canonical splice donor site in intron 1 of the DSG2 gene. This variant is predicted to cause aberrant splicing and likely results in an absent or disrupted protein product. To our knowledge, functional RNA assays have not been performed for this variant nor has this variant been reported in individuals affected with cardiovascular disorders in the literature. This variant is rare in the general population and has been identified in 0/277264 chromosomes by the Genome Aggregation Database (gnomAD). Although this variant is suspected to be deleterious, the pathogenicity of this variant cannot be determined conclusively in the absence of functional and clinical data.

Literature cited by the submitters: PubMed 16199547 (cited by Labcorp Genetics (formerly Invitae), Labcorp); PubMed 17105751 (cited by Labcorp Genetics (formerly Invitae), Labcorp); PubMed 31386562 (cited by Labcorp Genetics (formerly Invitae), Labcorp).